The following is an entry in ClinVar:

ClinVar aggregate classification (germline): Benign (1 of 4 stars; one submission).

Conditions:
Leigh syndrome (NULS). Also called: Leigh's necrotizing encephalopathy; Leigh's disease; Leigh Syndrome (mtDNA deletion); Leigh Disease; Subacute necrotizing encephalopathy; Necrotizing encephalopathy infantile subacute of Leigh. Identifiers: Orphanet 506, MedGen C2931891, MONDO:0009723, OMIM 256000.

Submission:

Wong Mito Lab, Molecular and Human Genetics, Baylor College of Medicine
Classification: Benign for Leigh syndrome. Last evaluated: 2019-10-17. Review status: criteria provided, single submitter. Criteria: Modified ACMG Guidelines (Unpublished). Collection method: clinical testing. Allele origin: germline.
Comment: The NC_012920.1:m.8387G>A (YP_003024030.1:p.Val8Met) variant in MTATP8 gene is interpretated to be a Benign variant based on the modified ACMG guidelines (unpublished). This variant meets the following evidence codes: BS1, BS2

NC_012920.1(MT-ATP8):m.8387G>A

Gene: MT-ATP8 (mitochondrially encoded ATP synthase 8; plus strand).
Variant type: single nucleotide variant.
Genome position: chrM-8387-G-A.
Identifiers: ClinVar variation 692839 (VCV000692839.1), dbSNP rs1556423439, ClinGen allele CA414795877.